The following is an entry in ClinVar:

ClinVar aggregate classification (germline): Uncertain significance. Review status: criteria provided, multiple submitters, no conflicts (2 of 4 stars). 2 submissions from 2 submitters: Uncertain significance (2). Last evaluated 2025-11-29.

Conditions:
Familial thoracic aortic aneurysm and aortic dissection (TAAD). Also called: Thoracic aortic aneurysms and dissections. Identifiers: Orphanet 91387, MedGen C4707243, MONDO:0019625.
Hereditary cancer-predisposing syndrome. Also called: Tumor predisposition; Hereditary Cancer Syndrome; Neoplastic Syndromes, Hereditary; Hereditary neoplastic syndrome. Identifiers: Orphanet 140162, MedGen C0027672, MeSH D009386, MONDO:0015356.
Juvenile polyposis syndrome (JPS). Identifiers: Orphanet 2929, MedGen C0345893, MONDO:0017380, OMIM 174900.

Submissions (2):

Ambry Genetics
Classification: Uncertain significance for Hereditary cancer-predisposing syndrome; Familial thoracic aortic aneurysm and aortic dissection. Last evaluated: 2025-11-29. Review status: criteria provided, single submitter. Criteria: Ambry Variant Classification Scheme 2023. Collection method: clinical testing. Allele origin: germline.
Comment: The p.S368T variant (also known as c.1102T>A), located in coding exon 8 of the SMAD4 gene, results from a T to A substitution at nucleotide position 1102. The serine at codon 368 is replaced by threonine, an amino acid with similar properties. This amino acid position is conserved. In addition, this alteration is predicted to be deleterious by in silico analysis. Based on the available evidence, the clinical significance of this variant remains unclear.

Labcorp Genetics (formerly Invitae), Labcorp
Classification: Uncertain significance for Juvenile polyposis syndrome. Last evaluated: 2025-03-26. Review status: criteria provided, single submitter. Criteria: Invitae Variant Classification Sherloc (09022015). Collection method: clinical testing. Allele origin: germline.
Comment: This sequence change replaces serine, which is neutral and polar, with threonine, which is neutral and polar, at codon 368 of the SMAD4 protein (p.Ser368Thr). This variant is not present in population databases (gnomAD no frequency). This variant has not been reported in the literature in individuals affected with SMAD4-related conditions. Invitae Evidence Modeling of protein sequence and biophysical properties (such as structural, functional, and spatial information, amino acid conservation, physicochemical variation, residue mobility, and thermodynamic stability) has been performed for this missense variant. However, the output from this modeling did not meet the statistical confidence thresholds required to predict the impact of this variant on SMAD4 protein function. In summary, the available evidence is currently insufficient to determine the role of this variant in disease. Therefore, it has been classified as a Variant of Uncertain Significance.

NM_005359.6(SMAD4):c.1102T>A (p.Ser368Thr)

Gene: SMAD4 (SMAD family member 4; plus strand). Cytogenetic location: 18q21.2.
Variant type: single nucleotide variant.
Coding change: c.1102T>A on transcript NM_005359.6 (MANE Select); coding-DNA position 1102, T replaced by A.
Protein change: p.Ser368Thr; replaces serine 368 with threonine.
Molecular consequence: missense variant. On other transcripts: non-coding transcript variant (2).
Genome position (GRCh38, 1-based): chr18:51,065,569, T>A. VCF-style: chr18-51065569-T-A. GRCh37 (hg19) VCF-style: chr18-48591939-T-A.
Other names: c.1102T>A, p.Ser368Thr (NM_001407041.1, NM_001407042.1, NM_001407043.1); short protein forms S368T.
Identifiers: ClinVar variation 4559163 (VCV004559163.2).